The following is an entry in ClinVar:

NM_000238.4(KCNH2):c.1963A>G (p.Ile655Val)

Gene: KCNH2 (potassium voltage-gated channel subfamily H member 2; minus strand). Cytogenetic location: 7q36.1.
Variant type: single nucleotide variant.
Coding change: c.1963A>G on transcript NM_000238.4 (MANE Select); coding-DNA position 1963, A replaced by G.
Protein change: p.Ile655Val; replaces isoleucine 655 with valine.
Molecular consequence: missense variant.
Genome position (GRCh38, 1-based): chr7:150,951,103, T>C on the plus strand (A>G on the coding strand, the complement: KCNH2 is on the minus strand). VCF-style: chr7-150951103-T-C. GRCh37 (hg19) VCF-style: chr7-150648191-T-C.
Other names: c.943A>G, p.Ile315Val (NM_001204798.2, NM_172057.3); c.1675A>G, p.Ile559Val (NM_001406753.1, NM_001406756.1); c.1786A>G, p.Ile596Val (NM_001406755.1); c.1663A>G, p.Ile555Val (NM_001406757.1); c.1963A>G, p.Ile655Val (NM_172056.3); short protein forms I315V, I655V, I559V, I555V, I596V.
Identifiers: ClinVar variation 405359 (VCV000405359.9), dbSNP rs1060500673, ClinGen allele CA16612115.

ClinVar aggregate classification (germline): Uncertain significance (1 of 4 stars; one submission).

Conditions:
Long QT syndrome (LQTS). Identifiers: MedGen C0023976, MeSH D008133, MONDO:0002442. Disease mechanism: loss of function. Inheritance: Various modes of inheritance.

Submission:

Labcorp Genetics (formerly Invitae), Labcorp
Classification: Uncertain significance for Long QT syndrome. Last evaluated: 2022-10-18. Review status: criteria provided, single submitter. Criteria: Invitae Variant Classification Sherloc (09022015). Collection method: clinical testing. Allele origin: germline.
Comment: In summary, the available evidence is currently insufficient to determine the role of this variant in disease. Therefore, it has been classified as a Variant of Uncertain Significance. This sequence change replaces isoleucine, which is neutral and non-polar, with valine, which is neutral and non-polar, at codon 655 of the KCNH2 protein (p.Ile655Val). This variant is not present in population databases (gnomAD no frequency). This variant has not been reported in the literature in individuals affected with KCNH2-related conditions. ClinVar contains an entry for this variant (Variation ID: 405359). Algorithms developed to predict the effect of missense changes on protein structure and function are either unavailable or do not agree on the potential impact of this missense change (SIFT: "Tolerated"; PolyPhen-2: "Probably Damaging"; Align-GVGD: "Class C0").